The following is an entry in ClinVar:

NM_018714.3(COG1):c.2189G>T (p.Ser730Ile)

Gene: COG1 (component of oligomeric golgi complex 1; plus strand). Cytogenetic location: 17q25.1.
Variant type: single nucleotide variant.
Coding change: c.2189G>T on transcript NM_018714.3 (MANE Select); coding-DNA position 2189, G replaced by T.
Protein change: p.Ser730Ile; replaces serine 730 with isoleucine.
Molecular consequence: missense variant.
Genome position (GRCh38, 1-based): chr17:73,203,115, G>T. VCF-style: chr17-73203115-G-T. GRCh37 (hg19) VCF-style: chr17-71199254-G-T.
Other names: short protein forms S730I.
Identifiers: ClinVar variation 1405138 (VCV001405138.8), dbSNP rs2145100344, ClinGen allele CA400895472.
Genomic context (GRCh38, chr17:73,203,115, plus strand): 5'-TGGCCACAGCCACCAGCTGGGATGAGCTAGAAATTCAGGAGGAGGCAGAGTCTGGCAGCA[G>T]TGTCACATCCAAGATCCGACTCCCTGCACAGGTGAGCAGGGACCATGGGCTGAAAAAGGG-3'
Protein context (NP_061184.1, residues 720-740): EIQEEAESGS[Ser730Ile]VTSKIRLPAQ

ClinVar aggregate classification (germline): Uncertain significance (1 of 4 stars; one submission).

Conditions:
COG1 congenital disorder of glycosylation (CDG2G). Also called: CDG IIg; CDGII/COG1 CEREBROCOSTOMANDIBULAR-LIKE SYNDROME; CONGENITAL DISORDER OF GLYCOSYLATION, TYPE IIg. Identifiers: Orphanet 263508, MedGen C2931011, MONDO:0012637, OMIM 611209.

Submission:

Labcorp Genetics (formerly Invitae), Labcorp
Classification: Uncertain significance for COG1 congenital disorder of glycosylation. Last evaluated: 2024-12-02. Review status: criteria provided, single submitter. Criteria: Invitae Variant Classification Sherloc (09022015). Collection method: clinical testing. Allele origin: germline.
Comment: This sequence change replaces serine, which is neutral and polar, with isoleucine, which is neutral and non-polar, at codon 730 of the COG1 protein (p.Ser730Ile). This variant is not present in population databases (gnomAD no frequency). This variant has not been reported in the literature in individuals affected with COG1-related conditions. ClinVar contains an entry for this variant (Variation ID: 1405138). Invitae Evidence Modeling of protein sequence and biophysical properties (such as structural, functional, and spatial information, amino acid conservation, physicochemical variation, residue mobility, and thermodynamic stability) has been performed for this missense variant. However, the output from this modeling did not meet the statistical confidence thresholds required to predict the impact of this variant on COG1 protein function. In summary, the available evidence is currently insufficient to determine the role of this variant in disease. Therefore, it has been classified as a Variant of Uncertain Significance.